The following is an entry in ClinVar:

ClinVar aggregate classification (germline): Uncertain significance (1 of 4 stars; one submission).

gnomAD v4.1: 3 of 1,614,026 alleles (0.00019%); highest among the groups gnomAD compares: Non-Finnish European, 0.00025%; no homozygotes.

Submission:

Labcorp Genetics (formerly Invitae), Labcorp
Classification: Uncertain significance. Last evaluated: 2025-10-21. Review status: criteria provided, single submitter. Criteria: Invitae Variant Classification Sherloc (09022015). Collection method: clinical testing. Allele origin: germline.
Comment: This sequence change replaces glutamic acid, which is acidic and polar, with glutamine, which is neutral and polar, at codon 858 of the TAOK2 protein (p.Glu858Gln). This variant is not present in population databases (gnomAD no frequency). This variant has not been reported in the literature in individuals affected with TAOK2-related conditions. An algorithm developed to predict the effect of missense changes on protein structure and function (PolyPhen-2) suggests that this variant is likely to be tolerated. In summary, the available evidence is currently insufficient to determine the role of this variant in disease. Therefore, it has been classified as a Variant of Uncertain Significance.

NM_016151.4(TAOK2):c.2572G>C (p.Glu858Gln)

Gene: TAOK2 (TAO kinase 2; plus strand). Cytogenetic location: 16p11.2.
Variant type: single nucleotide variant.
Coding change: c.2572G>C on transcript NM_016151.4 (MANE Select); coding-DNA position 2572, G replaced by C.
Protein change: p.Glu858Gln; replaces glutamic acid 858 with glutamine.
Molecular consequence: missense variant. On other transcripts: intron variant (1).
Genome position (GRCh38, 1-based): chr16:29,986,844, G>C. VCF-style: chr16-29986844-G-C. GRCh37 (hg19) VCF-style: chr16-29998165-G-C.
Other names: c.2233G>C, p.Glu745Gln (NM_001252043.2); c.2232+340G>C (NM_004783.4); short protein forms E745Q, E858Q.
Identifiers: ClinVar variation 4701062 (VCV004701062.1).